The following is an entry in ClinVar:

ClinVar aggregate classification (germline): Uncertain significance (1 of 4 stars; one submission).

Allele frequency attached by ClinVar (database versions not stated): gnomAD exomes below 0.00001; TOPMed below 0.00001.

Submission:

Labcorp Genetics (formerly Invitae), Labcorp
Classification: Uncertain significance. Last evaluated: 2025-01-13. Review status: criteria provided, single submitter. Criteria: Invitae Variant Classification Sherloc (09022015). Collection method: clinical testing. Allele origin: germline.
Comment: This sequence change replaces serine, which is neutral and polar, with arginine, which is basic and polar, at codon 1358 of the PRPF8 protein (p.Ser1358Arg). This variant is not present in population databases (gnomAD no frequency). This variant has not been reported in the literature in individuals affected with PRPF8-related conditions. ClinVar contains an entry for this variant (Variation ID: 1004476). Invitae Evidence Modeling of protein sequence and biophysical properties (such as structural, functional, and spatial information, amino acid conservation, physicochemical variation, residue mobility, and thermodynamic stability) has been performed for this missense variant. However, the output from this modeling did not meet the statistical confidence thresholds required to predict the impact of this variant on PRPF8 protein function. In summary, the available evidence is currently insufficient to determine the role of this variant in disease. Therefore, it has been classified as a Variant of Uncertain Significance.

NM_006445.4(PRPF8):c.4072A>C (p.Ser1358Arg)

Gene: PRPF8 (pre-mRNA processing factor 8; minus strand). Cytogenetic location: 17p13.3.
Variant type: single nucleotide variant.
Coding change: c.4072A>C on transcript NM_006445.4 (MANE Select); coding-DNA position 4072, A replaced by C.
Protein change: p.Ser1358Arg; replaces serine 1358 with arginine.
Molecular consequence: missense variant.
Genome position (GRCh38, 1-based): chr17:1,661,741, T>G on the plus strand (A>C on the coding strand, the complement: PRPF8 is on the minus strand). VCF-style: chr17-1661741-T-G. GRCh37 (hg19) VCF-style: chr17-1565035-T-G.
Other names: short protein forms S1358R.
Identifiers: ClinVar variation 1004476 (VCV001004476.5), dbSNP rs1351359957, ClinGen allele CA397578098.
Genomic context (GRCh38, chr17:1,661,741, plus strand): 5'-CGCTCTCCCATGGCTGTATGTAGCGGTACAAGTTGGGAATGAGCTGGTCTTCTTCATGGC[T>G]CATTCCTGAACGAAAGTGTGTGATACCTACATCTGTCTGTTTGGACCACCTGTTTGGGTG-3'
Protein context (NP_006436.3, residues 1348-1368): VGITHFRSGM[Ser1358Arg]HEEDQLIPNL